The following is an entry in ClinVar:

ClinVar aggregate classification (germline): Likely pathogenic (1 of 4 stars; one submission).

Allele frequency attached by ClinVar (database versions not stated): gnomAD exomes below 0.00001.
gnomAD v4.1: 1 of 1,614,194 alleles (0.000062%); highest among the groups gnomAD compares: Non-Finnish European, 0.000085%; no homozygotes.

Submission:

GeneDx
Classification: Likely pathogenic. Last evaluated: 2017-03-15. Review status: criteria provided, single submitter. Criteria: GeneDx Variant Classification (06012015). Collection method: clinical testing. Allele origin: germline. Affected: yes.
Comment: The L361I variant in the TUBB3 gene has not been reported previously as a pathogenic variant, noras a benign variant, to our knowledge. The L361I variant is not observed in large population cohorts(Lek et al., 2016; 1000 Genomes Consortium et al., 2015; Exome Variant Server). The L361I variantis a conservative amino acid substitution, which is not likely to impact secondary protein structure asthese residues share similar properties. This substitution occurs at a position that is conserved acrossspecies. In silico analysis is inconsistent in its predictions as to whether or not the variant is damagingto the protein structure/function. The L361I variant is a strong candidate for a pathogenic variant; however the possibility itmay be a rare benign variant cannot be excluded.

NM_006086.4(TUBB3):c.1081C>A (p.Leu361Ile)

Gene: TUBB3 (tubulin beta 3 class III; plus strand). Cytogenetic location: 16q24.3.
Variant type: single nucleotide variant.
Coding change: c.1081C>A on transcript NM_006086.4 (MANE Select); coding-DNA position 1081, C replaced by A.
Protein change: p.Leu361Ile; replaces leucine 361 with isoleucine.
Molecular consequence: missense variant.
Genome position (GRCh38, 1-based): chr16:89,935,532, C>A. VCF-style: chr16-89935532-C-A. GRCh37 (hg19) VCF-style: chr16-90001940-C-A.
Other names: c.865C>A, p.Leu289Ile (NM_001197181.2); short protein forms L289I, L361I.
Identifiers: ClinVar variation 421147 (VCV000421147.2), dbSNP rs1064794940, ClinGen allele CA16620316.